The following is an entry in ClinVar:

ClinVar aggregate classification (germline): Uncertain significance (1 of 4 stars; one submission).

Allele frequency attached by ClinVar (database versions not stated): gnomAD exomes 0.00001; ExAC 0.00002; gnomAD 0.00003; TOPMed 0.00003.

Submission:

Labcorp Genetics (formerly Invitae), Labcorp
Classification: Uncertain significance. Last evaluated: 2023-11-06. Review status: criteria provided, single submitter. Criteria: Invitae Variant Classification Sherloc (09022015). Collection method: clinical testing. Allele origin: germline.
Comment: This sequence change replaces alanine, which is neutral and non-polar, with threonine, which is neutral and polar, at codon 257 of the VPS13C protein (p.Ala257Thr). This variant is present in population databases (rs756567621, gnomAD 0.006%). This variant has not been reported in the literature in individuals affected with VPS13C-related conditions. ClinVar contains an entry for this variant (Variation ID: 2186545). Advanced modeling of protein sequence and biophysical properties (such as structural, functional, and spatial information, amino acid conservation, physicochemical variation, residue mobility, and thermodynamic stability) performed at Invitae indicates that this missense variant is not expected to disrupt VPS13C protein function with a negative predictive value of 80%. In summary, the available evidence is currently insufficient to determine the role of this variant in disease. Therefore, it has been classified as a Variant of Uncertain Significance.

NM_020821.3(VPS13C):c.769G>A (p.Ala257Thr)

Gene: VPS13C (vacuolar protein sorting 13 homolog C; minus strand). Cytogenetic location: 15q22.2.
Variant type: single nucleotide variant.
Coding change: c.769G>A on transcript NM_020821.3 (MANE Select); coding-DNA position 769, G replaced by A.
Protein change: p.Ala257Thr; replaces alanine 257 with threonine.
Molecular consequence: missense variant.
Genome position (GRCh38, 1-based): chr15:62,013,095, C>T on the plus strand (G>A on the coding strand, the complement: VPS13C is on the minus strand). VCF-style: chr15-62013095-C-T. GRCh37 (hg19) VCF-style: chr15-62305294-C-T.
Other names: c.769G>A, p.Ala257Thr (NM_001018088.3); c.640G>A, p.Ala214Thr (NM_017684.5, NM_018080.4); short protein forms A214T, A257T.
Identifiers: ClinVar variation 2186545 (VCV002186545.2), dbSNP rs756567621, ClinGen allele CA7597369.